The following is an entry in ClinVar:

ClinVar aggregate classification (germline): Uncertain significance (1 of 4 stars; one submission).

Submission:

GeneDx
Classification: Uncertain significance. Last evaluated: 2025-10-09. Review status: criteria provided, single submitter. Criteria: GeneDx Variant Classification Process June 2021. Collection method: clinical testing. Allele origin: germline.
Comment: Not observed at significant frequency in large population cohorts (gnomAD); In silico analysis suggests that this missense variant does not alter protein structure/function; Has not been previously published as pathogenic or benign to our knowledge

NM_001145358.2(SIN3A):c.2599C>G (p.Leu867Val)

Gene: SIN3A (SIN3 transcription regulator family member A; minus strand). Cytogenetic location: 15q24.2.
Variant type: single nucleotide variant.
Coding change: c.2599C>G on transcript NM_001145358.2 (MANE Select); coding-DNA position 2599, C replaced by G.
Protein change: p.Leu867Val; replaces leucine 867 with valine.
Molecular consequence: missense variant.
Genome position (GRCh38, 1-based): chr15:75,392,494, G>C on the plus strand (C>G on the coding strand, the complement: SIN3A is on the minus strand). VCF-style: chr15-75392494-G-C. GRCh37 (hg19) VCF-style: chr15-75684835-G-C.
Other names: c.2599C>G, p.Leu867Val (NM_001145357.2, NM_015477.3); short protein forms L867V.
Identifiers: ClinVar variation 3367579 (VCV003367579.2).
Genomic context (GRCh38, chr15:75,392,494, plus strand): 5'-AGAAGAGGTTGTATACTTCATCCATTCCTCTTAATTTTTGAGCTGCTGTGTTACTAAACA[G>C]TAACTTGGACTTAGGGGGACTGCCCCCAACACCATTGTGCTTCTTAACTGCCCCTGTGGC-3'
Protein context (NP_001138830.1, residues 857-877): VGGSPPKSKL[Leu867Val]FSNTAAQKLR